The following is an entry in ClinVar:

ClinVar aggregate classification (germline): Likely benign (1 of 4 stars; one submission).

Allele frequency attached by ClinVar (database versions not stated): gnomAD exomes below 0.00001; TOPMed below 0.00001.
gnomAD v4.1: 4 of 1,612,582 alleles (0.00025%); highest among the groups gnomAD compares: Admixed American, 0.0017%; no homozygotes.

Submissions (2):

CeGaT Center for Human Genetics Tuebingen
Classification: Likely benign. Last evaluated: 2023-01-01. Review status: criteria provided, single submitter. Criteria: CeGaT Center For Human Genetics Tuebingen Variant Classification Criteria Version 2. Collection method: clinical testing. Allele origin: germline. Affected: yes. Observed: 1 variant allele.
Comment: NFKBIB: BP4, BP7

Dr. Peter K. Rogan Lab, Western University
No classification provided (evidence only). Condition: Hepatocellular carcinoma. Review status: no classification provided. Collection method: in vitro. Allele origin: not applicable. Functional consequence: skipped exon. Not counted in ClinVar's aggregate classification.

NM_002503.5(NFKBIB):c.708G>A (p.Pro236=)

Gene: NFKBIB (NFKB inhibitor beta; plus strand). Cytogenetic location: 19q13.2.
Variant type: single nucleotide variant.
Coding change: c.708G>A on transcript NM_002503.5 (MANE Select); coding-DNA position 708, G replaced by A.
Protein change: p.Pro236=; no amino-acid change (proline 236 retained).
Molecular consequence: synonymous variant. On other transcripts: non-coding transcript variant (1).
Genome position (GRCh38, 1-based): chr19:38,907,309, G>A. VCF-style: chr19-38907309-G-A. GRCh37 (hg19) VCF-style: chr19-39397949-G-A.
Other names: NC_000019.9:g.39397949G>A; c.450G>A, p.Pro150= (NM_001243116.2); c.708G>A, p.Pro236= (NM_001369699.1); c.432G>A, p.Pro144= (NM_001369700.1).
Identifiers: ClinVar variation 2649825 (VCV002649825.25), dbSNP rs1471237670, ClinGen allele CA507508765.